The following is an entry in ClinVar:

NM_018706.7(DHTKD1):c.154G>A (p.Val52Ile)

Genes: DHTKD1 (dehydrogenase E1 and transketolase domain containing 1; plus strand), LOC130003343 (ATAC-STARR-seq lymphoblastoid silent region 2137; plus strand). Cytogenetic location: 10p14.
Variant type: single nucleotide variant.
Coding change: c.154G>A on transcript NM_018706.7 (MANE Select); coding-DNA position 154, G replaced by A.
Protein change: p.Val52Ile; replaces valine 52 with isoleucine.
Molecular consequence: missense variant.
Genome position (GRCh38, 1-based): chr10:12,069,187, G>A. VCF-style: chr10-12069187-G-A. GRCh37 (hg19) VCF-style: chr10-12111186-G-A.
Other names: short protein forms V52I.
Identifiers: ClinVar variation 2818850 (VCV002818850.3), dbSNP rs543147905, ClinGen allele CA376012479.

ClinVar aggregate classification (germline): Uncertain significance (1 of 4 stars; one submission).

Conditions:
2-aminoadipic 2-oxoadipic aciduria (AAKAD). Also called: ALPHA-AMINOADIPIC AND ALPHA-KETOADIPIC ACIDURIA; Aminoadipic aciduria. Identifiers: Orphanet 79154, MedGen C1859817, MONDO:0008774, OMIM 204750.

Submission:

Labcorp Genetics (formerly Invitae), Labcorp
Classification: Uncertain significance for 2-aminoadipic 2-oxoadipic aciduria. Last evaluated: 2022-12-05. Review status: criteria provided, single submitter. Criteria: Invitae Variant Classification Sherloc (09022015). Collection method: clinical testing. Allele origin: germline.
Comment: Variants that disrupt the consensus splice site are a relatively common cause of aberrant splicing (PMID: 17576681, 9536098). Algorithms developed to predict the effect of sequence changes on RNA splicing suggest that this variant may disrupt the consensus splice site. Algorithms developed to predict the effect of missense changes on protein structure and function (SIFT, PolyPhen-2, Align-GVGD) all suggest that this variant is likely to be tolerated. This variant has not been reported in the literature in individuals affected with DHTKD1-related conditions. This variant is not present in population databases (gnomAD no frequency). This sequence change replaces valine, which is neutral and non-polar, with isoleucine, which is neutral and non-polar, at codon 52 of the DHTKD1 protein (p.Val52Ile). This variant also falls at the last nucleotide of exon 1, which is part of the consensus splice site for this exon. In summary, the available evidence is currently insufficient to determine the role of this variant in disease. Therefore, it has been classified as a Variant of Uncertain Significance.

Literature cited by the submitters: PubMed 17576681; PubMed 9536098.